The following is an entry in ClinVar:

ClinVar aggregate classification (germline): Uncertain significance. Review status: criteria provided, multiple submitters, no conflicts (2 of 4 stars). 2 submissions from 2 submitters: Uncertain significance (2). Last evaluated 2026-04-30.

Conditions:
CDH2-related disorder. Also called: CDH2-related condition.

Submissions (2):

PreventionGenetics, part of Exact Sciences
Classification: Uncertain significance for CDH2-related condition. Last evaluated: 2026-04-30. Review status: criteria provided, single submitter. Criteria: ACMG Guidelines, 2015. Collection method: clinical testing. Allele origin: germline.
Comment: The CDH2 c.1754T>C variant is predicted to result in the amino acid substitution p.Met585Thr. To our knowledge, this variant has not been reported in the literature or in a large population database (gnomAD), indicating this variant is rare. At this time, the clinical significance of this variant is uncertain due to the absence of conclusive functional and genetic evidence.

Labcorp Genetics (formerly Invitae), Labcorp
Classification: Uncertain significance. Last evaluated: 2025-08-03. Review status: criteria provided, single submitter. Criteria: Invitae Variant Classification Sherloc (09022015). Collection method: clinical testing. Allele origin: germline.
Comment: This sequence change replaces methionine, which is neutral and non-polar, with threonine, which is neutral and polar, at codon 585 of the CDH2 protein (p.Met585Thr). This variant is not present in population databases (gnomAD no frequency). This variant has not been reported in the literature in individuals affected with CDH2-related conditions. An algorithm developed to predict the effect of missense changes on protein structure and function (PolyPhen-2) suggests that this variant is likely to be tolerated. In summary, the available evidence is currently insufficient to determine the role of this variant in disease. Therefore, it has been classified as a Variant of Uncertain Significance.

NM_001792.5(CDH2):c.1754T>C (p.Met585Thr)

Gene: CDH2 (cadherin 2; minus strand). Cytogenetic location: 18q12.1.
Variant type: single nucleotide variant.
Coding change: c.1754T>C on transcript NM_001792.5 (MANE Select); coding-DNA position 1754, T replaced by C.
Protein change: p.Met585Thr; replaces methionine 585 with threonine.
Molecular consequence: missense variant.
Genome position (GRCh38, 1-based): chr18:27,985,749, A>G on the plus strand (T>C on the coding strand, the complement: CDH2 is on the minus strand). VCF-style: chr18-27985749-A-G. GRCh37 (hg19) VCF-style: chr18-25565713-A-G.
Other names: c.1754T>C (NM_001792.4); c.1661T>C, p.Met554Thr (NM_001308176.2); short protein forms M585T, M554T.
Identifiers: ClinVar variation 4775315 (VCV004775315.2).